The following is an entry in ClinVar:

NM_000368.5(TSC1):c.148C>A (p.Leu50Met)

Gene: TSC1 (TSC complex subunit 1; minus strand). Cytogenetic location: 9q34.13.
Variant type: single nucleotide variant.
Coding change: c.148C>A on transcript NM_000368.5 (MANE Select); coding-DNA position 148, C replaced by A.
Protein change: p.Leu50Met; replaces leucine 50 with methionine.
Molecular consequence: missense variant. On other transcripts: 5 prime UTR variant (9), non-coding transcript variant (4), intron variant (9).
Genome position (GRCh38, 1-based): chr9:132,927,263, G>T on the plus strand (C>A on the coding strand, the complement: TSC1 is on the minus strand). VCF-style: chr9-132927263-G-T. GRCh37 (hg19) VCF-style: chr9-135802650-G-T.
Other names: c.-730C>A (NM_001406626.1, NM_001406627.1, NM_001406628.1); c.-872C>A (NM_001406629.1); c.-946C>A (NM_001406630.1); c.-153-1524C>A (NM_001406620.1, NM_001406618.1); c.-154+1504C>A (NM_001406625.1, NM_001406621.1, NM_001406617.1 and 3 more transcripts); c.148C>A, p.Leu50Met (NM_001162426.2, NM_001162427.2, NM_001406592.1 and 21 more transcripts); c.-341C>A (NM_001406615.1, NM_001406623.1); c.-308C>A (NM_001406616.1, NM_001406624.1); and 1 more; short protein forms L50M.
Identifiers: ClinVar variation 5031224 (VCV005031224.1).

ClinVar aggregate classification (germline): Uncertain significance (1 of 4 stars; one submission).

Conditions:
Hereditary cancer-predisposing syndrome. Also called: Neoplastic Syndromes, Hereditary; Tumor predisposition; Hereditary neoplastic syndrome; Hereditary Cancer Syndrome. Identifiers: Orphanet 140162, MedGen C0027672, MeSH D009386, MONDO:0015356.

Submission:

Ambry Genetics
Classification: Uncertain significance for Hereditary cancer-predisposing syndrome. Last evaluated: 2026-07-07. Review status: criteria provided, single submitter. Criteria: Ambry Variant Classification Scheme 2023. Collection method: clinical testing. Allele origin: germline.
Comment: The p.L50M variant (also known as c.148C>A), located in coding exon 2 of the TSC1 gene, results from a C to A substitution at nucleotide position 148. The leucine at codon 50 is replaced by methionine, an amino acid with highly similar properties. This amino acid position is conserved. In addition, the in silico prediction for this alteration is inconclusive. Based on the available evidence, the clinical significance of this variant remains unclear.